The following is an entry in ClinVar:

NM_001288705.3(CSF1R):c.412G>A (p.Val138Ile)

Gene: CSF1R (colony stimulating factor 1 receptor; minus strand). Cytogenetic location: 5q32.
Variant type: single nucleotide variant.
Coding change: c.412G>A on transcript NM_001288705.3 (MANE Select); coding-DNA position 412, G replaced by A.
Protein change: p.Val138Ile; replaces valine 138 with isoleucine.
Molecular consequence: missense variant. On other transcripts: 5 prime UTR variant (1), non-coding transcript variant (2).
Genome position (GRCh38, 1-based): chr5:150,080,232, C>T on the plus strand (G>A on the coding strand, the complement: CSF1R is on the minus strand). VCF-style: chr5-150080232-C-T. GRCh37 (hg19) VCF-style: chr5-149459795-C-T.
Other names: c.412G>A, p.Val138Ile (NM_001349736.2, NM_001375320.1, NM_005211.4); c.-33G>A (NM_001375321.1); short protein forms V138I.
Identifiers: ClinVar variation 1474848 (VCV001474848.8), dbSNP rs755093010, ClinGen allele CA3507185.

ClinVar aggregate classification (germline): Uncertain significance (1 of 4 stars; one submission).

Allele frequency attached by ClinVar (database versions not stated): gnomAD 0.00001; gnomAD exomes 0.00001 and 0.00003; ExAC 0.00002; TOPMed 0.00003.
gnomAD v4.1: 48 of 1,613,798 alleles (0.003%); highest among the groups gnomAD compares: Admixed American, 0.0067%; no homozygotes.

Submission:

Labcorp Genetics (formerly Invitae), Labcorp
Classification: Uncertain significance. Last evaluated: 2024-12-23. Review status: criteria provided, single submitter. Criteria: Invitae Variant Classification Sherloc (09022015). Collection method: clinical testing. Allele origin: germline.
Comment: This sequence change replaces valine, which is neutral and non-polar, with isoleucine, which is neutral and non-polar, at codon 138 of the CSF1R protein (p.Val138Ile). This variant is present in population databases (rs755093010, gnomAD 0.003%). This variant has not been reported in the literature in individuals affected with CSF1R-related conditions. ClinVar contains an entry for this variant (Variation ID: 1474848). Invitae Evidence Modeling of protein sequence and biophysical properties (such as structural, functional, and spatial information, amino acid conservation, physicochemical variation, residue mobility, and thermodynamic stability) indicates that this missense variant is not expected to disrupt CSF1R protein function with a negative predictive value of 95%. In summary, the available evidence is currently insufficient to determine the role of this variant in disease. Therefore, it has been classified as a Variant of Uncertain Significance.